The following is an entry in ClinVar:

NM_015506.3(MMACHC):c.649G>A (p.Glu217Lys)

Genes: MMACHC (metabolism of cobalamin associated C; plus strand), LOC129930446 (ATAC-STARR-seq lymphoblastoid active region 972; plus strand). Cytogenetic location: 1p34.1.
Variant type: single nucleotide variant.
Coding change: c.649G>A on transcript NM_015506.3 (MANE Select); coding-DNA position 649, G replaced by A.
Protein change: p.Glu217Lys; replaces glutamic acid 217 with lysine.
Molecular consequence: missense variant.
Genome position (GRCh38, 1-based): chr1:45,509,015, G>A. VCF-style: chr1-45509015-G-A. GRCh37 (hg19) VCF-style: chr1-45974687-G-A.
Other names: c.478G>A, p.Glu160Lys (NM_001330540.2); short protein forms E217K, E160K.
Identifiers: ClinVar variation 956301 (VCV000956301.5), dbSNP rs483352740, ClinGen allele CA340133829.
Genomic context (GRCh38, chr1:45,509,015, plus strand): 5'-AATTTCCACTGGCGTGATTGGACTTACCGGGATGCTGTGACACCCCAGGAGCGCTACTCA[G>A]AAGAGCAGAAGGCCTACTTCTCCACTCCACCTGCCCAACGATTGGCCCTATTGGGCTTGG-3'
Protein context (NP_056321.2, residues 207-227): DAVTPQERYS[Glu217Lys]EQKAYFSTPP

ClinVar aggregate classification (germline): Uncertain significance. Review status: criteria provided, multiple submitters, no conflicts (2 of 4 stars). 3 submissions from 3 submitters: Uncertain significance (3). Last evaluated 2023-04-11.

Conditions:
Cobalamin C disease. Also called: methylmalonic aciduria and homocystinuria type cblC; Cobalamin-C methylmalonic acidemia and homocystinuria; Methylmalonic acidemia and homocystinuria cblC type; Methylmalonic aciduria and homocystinuria, Vitamin B12-responsive; Vitamin B12 metabolic defect with combined deficiency of methylmalonyl-CoA mutase and homocysteine:methyltetrahydrofolate methyltransferase; Methylmalonic aciduria with homocystinuria cblC type. Identifiers: Orphanet 26, Orphanet 79282, MedGen C1848561, MONDO:0010184, OMIM 277400.

Allele frequency attached by ClinVar (database versions not stated): gnomAD exomes 0.00001.

Submissions (3):

Genome-Nilou Lab
Classification: Uncertain significance for Cobalamin C disease. Last evaluated: 2023-04-11. Review status: criteria provided, single submitter. Criteria: ACMG Guidelines, 2015. Collection method: clinical testing. Allele origin: germline. Affected: no.

Labcorp Genetics (formerly Invitae), Labcorp
Classification: Uncertain significance for Cobalamin C disease. Last evaluated: 2022-08-01. Review status: criteria provided, single submitter. Criteria: Invitae Variant Classification Sherloc (09022015). Collection method: clinical testing. Allele origin: germline.
Comment: This sequence change replaces glutamic acid, which is acidic and polar, with lysine, which is basic and polar, at codon 217 of the MMACHC protein (p.Glu217Lys). This variant is not present in population databases (gnomAD no frequency). This variant has not been reported in the literature in individuals affected with MMACHC-related conditions. ClinVar contains an entry for this variant (Variation ID: 956301). Algorithms developed to predict the effect of missense changes on protein structure and function (SIFT, PolyPhen-2, Align-GVGD) all suggest that this variant is likely to be tolerated. In summary, the available evidence is currently insufficient to determine the role of this variant in disease. Therefore, it has been classified as a Variant of Uncertain Significance.

Baylor Genetics
Classification: Uncertain significance for Cobalamin C disease. Last evaluated: 2019-04-06. Review status: criteria provided, single submitter. Criteria: ACMG Guidelines, 2015. Collection method: clinical testing. Allele origin: unknown. Affected: yes.
Comment: This variant was determined to be of uncertain significance according to ACMG Guidelines, 2015 [PMID:25741868].